The following is an entry in ClinVar:

ClinVar aggregate classification (germline): Benign (0 of 4 stars; one submission).

Conditions:
SHROOM2-related disorder. Also called: SHROOM2-related condition.

Allele frequency attached by ClinVar (database versions not stated): gnomAD exomes 0.00052; TOPMed 0.00057; gnomAD 0.00064; ExAC 0.00129; 1000 Genomes Project 30x 0.00395; 1000 Genomes Project 0.00477.
gnomAD v4.1: 710 of 1,208,705 alleles (0.059%); highest among the groups gnomAD compares: East Asian, 1.7%; 7 homozygotes.

Submission:

PreventionGenetics, part of Exact Sciences
Classification: Benign for SHROOM2-related condition. Last evaluated: 2024-09-11. Review status: no assertion criteria provided. Collection method: clinical testing. Allele origin: germline.
Comment: This variant is classified as benign based on ACMG/AMP sequence variant interpretation guidelines (Richards et al. 2015 PMID: 25741868, with internal and published modifications).

NM_001649.4(SHROOM2):c.2693C>T (p.Ala898Val)

Gene: SHROOM2 (shroom family member 2; plus strand). Cytogenetic location: Xp22.2.
Variant type: single nucleotide variant.
Coding change: c.2693C>T on transcript NM_001649.4 (MANE Select); coding-DNA position 2693, C replaced by T.
Protein change: p.Ala898Val; replaces alanine 898 with valine.
Molecular consequence: missense variant.
Genome position (GRCh38, 1-based): chrX:9,896,601, C>T. VCF-style: chrX-9896601-C-T. GRCh37 (hg19) VCF-style: chrX-9864641-C-T.
Other names: short protein forms A898V.
Identifiers: ClinVar variation 3039407 (VCV003039407.2), dbSNP rs147796126, ClinGen allele CA10345602.
Genomic context (GRCh38, chrX:9,896,601, plus strand): 5'-CCTCTTGGAAGGAACAGAGGAAACCTCTGGAGGCCAGGAGCTCTGGGCGCTGCCACTCAG[C>T]GGATGACATCCTGGATGTGAGCCTGGACCCACAGGAGAGGCCGCAGCACGTTCATGGGAG-3'
Protein context (NP_001640.1, residues 888-908): EARSSGRCHS[Ala898Val]DDILDVSLDP